The following is an entry in ClinVar:

ClinVar aggregate classification (germline): Uncertain significance (1 of 4 stars; one submission).

Conditions:
Giant axonal neuropathy 1 (GAN1). Also called: GIANT AXONAL NEUROPATHY 1, AUTOSOMAL RECESSIVE; GAN-Related Neurodegeneration. Identifiers: Orphanet 643, MedGen C1850386, MONDO:0009749, OMIM 256850.

gnomAD v4.1: 1 of 1,613,688 alleles (0.000062%); no homozygotes.

Submission:

Labcorp Genetics (formerly Invitae), Labcorp
Classification: Uncertain significance for Giant axonal neuropathy 1. Last evaluated: 2023-08-04. Review status: criteria provided, single submitter. Criteria: Invitae Variant Classification Sherloc (09022015). Collection method: clinical testing. Allele origin: germline.
Comment: This sequence change replaces threonine, which is neutral and polar, with serine, which is neutral and polar, at codon 539 of the GAN protein (p.Thr539Ser). This variant is present in population databases (no rsID available, gnomAD no frequency). This variant has not been reported in the literature in individuals affected with GAN-related conditions. ClinVar contains an entry for this variant (Variation ID: 1927091). An algorithm developed to predict the effect of missense changes on protein structure and function (PolyPhen-2) suggests that this variant is likely to be tolerated. Algorithms developed to predict the effect of sequence changes on RNA splicing suggest that this variant may create or strengthen a splice site. In summary, the available evidence is currently insufficient to determine the role of this variant in disease. Therefore, it has been classified as a Variant of Uncertain Significance.

NM_022041.4(GAN):c.1616C>G (p.Thr539Ser)

Gene: GAN (gigaxonin; plus strand). Cytogenetic location: 16q23.2.
Variant type: single nucleotide variant.
Coding change: c.1616C>G on transcript NM_022041.4 (MANE Select); coding-DNA position 1616, C replaced by G.
Protein change: p.Thr539Ser; replaces threonine 539 with serine.
Molecular consequence: missense variant.
Genome position (GRCh38, 1-based): chr16:81,377,418, C>G. VCF-style: chr16-81377418-C-G. GRCh37 (hg19) VCF-style: chr16-81411023-C-G.
Other names: c.977C>G, p.Thr326Ser (NM_001377486.1); short protein forms T326S, T539S.
Identifiers: ClinVar variation 1927091 (VCV001927091.5), dbSNP rs1289026846, ClinGen allele CA396892260.
Genomic context (GRCh38, chr16:81,377,418, plus strand): 5'-CTGTTTCCTGGTGATTCTGGGTACATTTTCTCACCCTTGCTTATTTCTGTGGCTTAGGTA[C>G]CAATTACGACTACGTGCGTGAGTTTAAAAGAAGCACAGGAACCTGGCACCACACTAAACC-3'
Protein context (NP_071324.1, residues 529-549): IYVIGDLDTG[Thr539Ser]NYDYVREFKR